The following is an entry in ClinVar:

NM_013451.4(MYOF):c.378G>T (p.Pro126=)

Gene: MYOF (myoferlin; minus strand). Cytogenetic location: 10q23.33.
Variant type: single nucleotide variant.
Coding change: c.378G>T on transcript NM_013451.4 (MANE Select); coding-DNA position 378, G replaced by T.
Protein change: p.Pro126=; no amino-acid change (proline 126 retained).
Molecular consequence: synonymous variant.
Genome position (GRCh38, 1-based): chr10:93,426,126, C>A on the plus strand (G>T on the coding strand, the complement: MYOF is on the minus strand). VCF-style: chr10-93426126-C-A. GRCh37 (hg19) VCF-style: chr10-95185883-C-A.
Other names: c.378G>T, p.Pro126= (NM_133337.3).
Identifiers: ClinVar variation 3047315 (VCV003047315.2), dbSNP rs779836306, ClinGen allele CA5608632.

ClinVar aggregate classification (germline): Likely benign (0 of 4 stars; one submission).

Conditions:
MYOF-related disorder. Also called: MYOF-related condition.

gnomAD v4.1: 270 of 1,560,724 alleles (0.017%); highest among the groups gnomAD compares: Non-Finnish European, 0.023%; no homozygotes.

Submission:

PreventionGenetics, part of Exact Sciences
Classification: Likely benign for MYOF-related condition. Last evaluated: 2019-03-29. Review status: no assertion criteria provided. Collection method: clinical testing. Allele origin: germline.
Comment: This variant is classified as likely benign based on ACMG/AMP sequence variant interpretation guidelines (Richards et al. 2015 PMID: 25741868, with internal and published modifications).